The following is an entry in ClinVar:

ClinVar aggregate classification (germline): Likely benign (1 of 4 stars; one submission).

Allele frequency attached by ClinVar (database versions not stated): gnomAD 0.00012; TOPMed 0.00015; gnomAD exomes 0.00016; ExAC 0.00018.
gnomAD v4.1: 244 of 1,552,246 alleles (0.016%); highest among the groups gnomAD compares: Middle Eastern, 0.27%; 1 homozygote.

Submission:

CeGaT Center for Human Genetics Tuebingen
Classification: Likely benign. Last evaluated: 2023-05-01. Review status: criteria provided, single submitter. Criteria: CeGaT Center For Human Genetics Tuebingen Variant Classification Criteria Version 2. Collection method: clinical testing. Allele origin: germline. Affected: yes. Observed: 1 variant allele.
Comment: SPAG17: BP4, BP7

NM_206996.4(SPAG17):c.3060C>T (p.His1020=)

Gene: SPAG17 (sperm associated antigen 17; minus strand). Cytogenetic location: 1p12.
Variant type: single nucleotide variant.
Coding change: c.3060C>T on transcript NM_206996.4 (MANE Select); coding-DNA position 3060, C replaced by T.
Protein change: p.His1020=; no amino-acid change (histidine 1020 retained).
Molecular consequence: synonymous variant.
Genome position (GRCh38, 1-based): chr1:118,040,836, G>A on the plus strand (C>T on the coding strand, the complement: SPAG17 is on the minus strand). VCF-style: chr1-118040836-G-A. GRCh37 (hg19) VCF-style: chr1-118583459-G-A.
Identifiers: ClinVar variation 2639036 (VCV002639036.24), dbSNP rs201385376, ClinGen allele CA1033790.